The following is an entry in ClinVar:

NM_014996.4(PLCH1):c.2847G>A (p.Leu949=)

Gene: PLCH1 (phospholipase C eta 1; minus strand). Cytogenetic location: 3q25.31.
Variant type: single nucleotide variant.
Coding change: c.2847G>A on transcript NM_014996.4 (MANE Select); coding-DNA position 2847, G replaced by A.
Protein change: p.Leu949=; no amino-acid change (leucine 949 retained).
Molecular consequence: synonymous variant.
Genome position (GRCh38, 1-based): chr3:155,485,483, C>T on the plus strand (G>A on the coding strand, the complement: PLCH1 is on the minus strand). VCF-style: chr3-155485483-C-T. GRCh37 (hg19) VCF-style: chr3-155203272-C-T.
Other names: c.2871G>A, p.Leu957= (NM_001130960.2, NM_001130961.2, NM_001349250.2); c.2847G>A, p.Leu949= (NM_001349251.2); c.2907G>A, p.Leu969= (NM_001349252.2).
Identifiers: ClinVar variation 4535472 (VCV004535472.6).
Genomic context (GRCh38, chr3:155,485,483, plus strand): 5'-AAGGTTTCTGTCAACAGGCATAGAGACAGGGCGTGCTTGCAAACTGCGTGTGGTCCTCCT[C>T]AGCACGCCATCTTGATCTCTTGTGGCCTCGGACACAGAATCCTTTATCTCCACCATTTCT-3'
Protein context (NP_055811.2, residues 939-959): SEATRDQDGV[Leu949=]RRTTRSLQAR

ClinVar aggregate classification (germline): Likely benign (1 of 4 stars; one submission).

gnomAD v4.1: 265 of 1,614,188 alleles (0.016%); highest among the groups gnomAD compares: South Asian, 0.18%; 1 homozygote.

Submission:

CeGaT Center for Human Genetics Tuebingen
Classification: Likely benign. Last evaluated: 2025-10-01. Review status: criteria provided, single submitter. Criteria: CeGaT Center For Human Genetics Tuebingen Variant Classification Criteria Version 2. Collection method: clinical testing. Allele origin: germline. Affected: yes. Observed: 1 variant allele.
Comment: PLCH1: BP4